The following is an entry in ClinVar:

NM_006859.4(LIAS):c.363del (p.Glu122fs)

Gene: LIAS (lipoic acid synthetase; plus strand). Cytogenetic location: 4p14.
Variant type: Deletion.
Coding change: c.363del on transcript NM_006859.4 (MANE Select); coding-DNA position 363, one base deleted (A; older notation c.363delA).
Protein change: p.Glu122fs; shifts the reading frame from glutamic acid 122.
Molecular consequence: frameshift variant.
Genome position (GRCh38, 1-based): chr4:39,463,575, A deleted. VCF-style (leftmost placement, unchanged base first): chr4-39463574-GA-G. GRCh37 (hg19) VCF-style: chr4-39465194-GA-G.
Other names: c.363del, p.Glu122fs (NM_001278590.2, NM_001278591.2, NM_194451.3); c.269del, p.Glu90fs (NM_001278592.2, NM_001363700.2); short protein forms E90fs, E122fs.
Identifiers: ClinVar variation 540089 (VCV000540089.6), dbSNP rs1553934199, ClinGen allele CA658796426.

ClinVar aggregate classification (germline): Pathogenic (1 of 4 stars; one submission).

Conditions:
Lipoic acid synthetase deficiency. Also called: HYPERGLYCINEMIA, LACTIC ACIDOSIS, AND SEIZURES. Identifiers: Orphanet 401859, MedGen C3280887, MONDO:0013762, OMIM 614462.

Submission:

Labcorp Genetics (formerly Invitae), Labcorp
Classification: Pathogenic for Lipoic acid synthetase deficiency. Last evaluated: 2022-02-04. Review status: criteria provided, single submitter. Criteria: Invitae Variant Classification Sherloc (09022015). Collection method: clinical testing. Allele origin: germline.
Comment: For these reasons, this variant has been classified as Pathogenic. ClinVar contains an entry for this variant (Variation ID: 540089). This variant has not been reported in the literature in individuals affected with LIAS-related conditions. This variant is not present in population databases (gnomAD no frequency). This sequence change creates a premature translational stop signal (p.Glu122Asnfs*11) in the LIAS gene. It is expected to result in an absent or disrupted protein product. Loss-of-function variants in LIAS are known to be pathogenic (PMID: 24334290, 27923773).

Literature cited by the submitters: PubMed 24334290; PubMed 27923773.